The following is an entry in ClinVar:

ClinVar aggregate classification (germline): Uncertain significance (1 of 4 stars; one submission).

Conditions:
Alexander disease (ALXDRD). Also called: Alexander's disease. Identifiers: Orphanet 58, MedGen C0270726, MONDO:0008752, OMIM 203450.

Submission:

Neuberg Centre For Genomic Medicine, NCGM
Classification: Uncertain significance for Alexander disease. Last evaluated: 2023-06-02. Review status: criteria provided, single submitter. Criteria: ACMG Guidelines, 2015. Collection method: clinical testing. Allele origin: germline. Inheritance: Autosomal dominant inheritance. Affected: yes.
Comment: The observed missense variant c.646G>A(p.Ala216Thr) in the GFAP gene has not been reported previously as a pathogenic variant nor as a benign variant, to our knowledge. This variant is absent in the gnomAD Exomes. The amino acid Alanine at position 216 is changed to a Threonine changing protein sequence and it might alter its composition and physico-chemical properties. Computational evidence (Polyphen - Benign, SIFT - Damaging and MutationTaster - Polymorphism) predicts conflicting evidence on protein structure and function for this variant. The residue is conserved by GERP++ and PhyloP across 100 vertebrates. For these reasons, this variant has been classified as Uncertain Significance.

NM_002055.5(GFAP):c.646G>A (p.Ala216Thr)

Gene: GFAP (glial fibrillary acidic protein; minus strand). Cytogenetic location: 17q21.31.
Variant type: single nucleotide variant.
Coding change: c.646G>A on transcript NM_002055.5 (MANE Select); coding-DNA position 646, G replaced by A.
Protein change: p.Ala216Thr; replaces alanine 216 with threonine.
Molecular consequence: missense variant.
Genome position (GRCh38, 1-based): chr17:44,913,403, C>T on the plus strand (G>A on the coding strand, the complement: GFAP is on the minus strand). VCF-style: chr17-44913403-C-T. GRCh37 (hg19) VCF-style: chr17-42990771-C-T.
Other names: c.646G>A, p.Ala216Thr (NM_001131019.3, NM_001242376.3, NM_001363846.2); short protein forms A216T.
Identifiers: ClinVar variation 3362276 (VCV003362276.3).
Genomic context (GRCh38, chr17:44,913,403, plus strand): 5'-TCAGGGCTGCGGTGAGGTCTGGCTTGGCCACGTCAAGCTCCACATGGACCTGCTGTCGGG[C>T]CAGCTGCTCCTGGAGTTCCCGAACCTCCTGACCAGGGTGAGAGAAGCGGTACCAGGGCTC-3'
Protein context (NP_002046.1, residues 206-226): EEVRELQEQL[Ala216Thr]RQQVHVELDV